The following is an entry in ClinVar:

NM_205836.3(FBXO38):c.2008T>C (p.Cys670Arg)

Gene: FBXO38 (F-box protein 38; plus strand). Cytogenetic location: 5q32.
Variant type: single nucleotide variant.
Coding change: c.2008T>C on transcript NM_205836.3 (MANE Select); coding-DNA position 2008, T replaced by C.
Protein change: p.Cys670Arg; replaces cysteine 670 with arginine.
Molecular consequence: missense variant. On other transcripts: intron variant (1).
Genome position (GRCh38, 1-based): chr5:148,427,302, T>C. VCF-style: chr5-148427302-T-C. GRCh37 (hg19) VCF-style: chr5-147806865-T-C.
Other names: c.2008T>C, p.Cys670Arg (NM_030793.5); c.1918+1601T>C (NM_001271723.2); c.2008T>C (NM_030793.4); short protein forms C670R.
Identifiers: ClinVar variation 1900640 (VCV001900640.6), dbSNP rs143902310, ClinGen allele CA3497433.

ClinVar aggregate classification (germline): Uncertain significance. Review status: criteria provided, multiple submitters, no conflicts (2 of 4 stars). 2 submissions from 2 submitters: Uncertain significance (2). Last evaluated 2026-07-27.

Conditions:
FBXO38-related disorder. Also called: FBXO38-related condition.
Distal hereditary motor neuropathy type 2. Identifiers: Orphanet 139525, MedGen C3711384, MeSH C580044, MONDO:0015352.

Allele frequency attached by ClinVar (database versions not stated): gnomAD exomes 0.00001; ExAC 0.00002; gnomAD 0.00003; TOPMed 0.00003; ESP Exome Variant Server 0.00008.
gnomAD v4.1: 20 of 1,613,926 alleles (0.0012%); highest among the groups gnomAD compares: Non-Finnish European, 0.0017%; no homozygotes.

Submissions (2):

PreventionGenetics, part of Exact Sciences
Classification: Uncertain significance for FBXO38-related condition. Last evaluated: 2026-07-27. Review status: criteria provided, single submitter. Criteria: ACMG Guidelines, 2015. Collection method: clinical testing. Allele origin: germline.
Comment: The FBXO38 c.2008T>C variant is predicted to result in the amino acid substitution p.Cys670Arg. To our knowledge, this variant has not been reported in the literature. This variant is reported in 0.0035% of alleles in individuals of European (Non-Finnish) descent in gnomAD. At this time, the clinical significance of this variant is uncertain due to the absence of conclusive functional and genetic evidence.

Labcorp Genetics (formerly Invitae), Labcorp
Classification: Uncertain significance for Distal hereditary motor neuropathy type 2. Last evaluated: 2025-04-23. Review status: criteria provided, single submitter. Criteria: Invitae Variant Classification Sherloc (09022015). Collection method: clinical testing. Allele origin: germline.
Comment: This sequence change replaces cysteine, which is neutral and slightly polar, with arginine, which is basic and polar, at codon 670 of the FBXO38 protein (p.Cys670Arg). This variant is present in population databases (rs143902310, gnomAD 0.003%). This variant has not been reported in the literature in individuals affected with FBXO38-related conditions. This missense change has been observed in at least one individual who was not affected with FBXO38-related conditions (internal data). ClinVar contains an entry for this variant (Variation ID: 1900640). Invitae Evidence Modeling of protein sequence and biophysical properties (such as structural, functional, and spatial information, amino acid conservation, physicochemical variation, residue mobility, and thermodynamic stability) has been performed for this missense variant. However, the output from this modeling did not meet the statistical confidence thresholds required to predict the impact of this variant on FBXO38 protein function. In summary, the available evidence is currently insufficient to determine the role of this variant in disease. Therefore, it has been classified as a Variant of Uncertain Significance.